The following is an entry in ClinVar:

ClinVar aggregate classification (germline): Likely benign. Review status: criteria provided, multiple submitters, no conflicts (2 of 4 stars). 2 submissions from 2 submitters: Likely benign (2). Last evaluated 2024-09-01.

Submissions (2):

CeGaT Center for Human Genetics Tuebingen
Classification: Likely benign. Last evaluated: 2024-09-01. Review status: criteria provided, single submitter. Criteria: CeGaT Center For Human Genetics Tuebingen Variant Classification Criteria Version 2. Collection method: clinical testing. Allele origin: germline. Affected: yes. Observed: 1 variant allele.
Comment: TUBB4A: BP4, BP7

Blueprint Genetics
Classification: Likely benign. Last evaluated: 2022-07-18. Review status: criteria provided, single submitter. Criteria: ACMG Guidelines, 2015. Collection method: clinical testing. Allele origin: germline.

NM_006087.4(TUBB4A):c.1158G>A (p.Thr386=)

Gene: TUBB4A (tubulin beta 4A class IVa; minus strand). Cytogenetic location: 19p13.3.
Variant type: single nucleotide variant.
Coding change: c.1158G>A on transcript NM_006087.4 (MANE Select); coding-DNA position 1158, G replaced by A.
Protein change: p.Thr386=; no amino-acid change (threonine 386 retained).
Molecular consequence: synonymous variant.
Genome position (GRCh38, 1-based): chr19:6,495,341, C>T on the plus strand (G>A on the coding strand, the complement: TUBB4A is on the minus strand). VCF-style: chr19-6495341-C-T. GRCh37 (hg19) VCF-style: chr19-6495352-C-T.
Other names: c.1311G>A, p.Thr437= (NM_001289123.2); c.1293G>A, p.Thr431= (NM_001289127.2); c.1158G>A, p.Thr386= (NM_001289129.2); c.942G>A, p.Thr314= (NM_001289130.2, NM_001289131.2).
Identifiers: ClinVar variation 3389721 (VCV003389721.15).